The following is an entry in ClinVar:

ClinVar aggregate classification (germline): Uncertain significance. Review status: criteria provided, multiple submitters, no conflicts (2 of 4 stars). 2 submissions from 2 submitters: Uncertain significance (2). Last evaluated 2024-04-25.

Conditions:
Epileptic encephalopathy. Identifiers: MedGen C0543888, HP:0200134.

Allele frequency attached by ClinVar (database versions not stated): gnomAD 0.00005 and 0.00006; ExAC 0.00006; gnomAD exomes 0.00006; TOPMed 0.00008.
gnomAD v4.1: 93 of 1,613,684 alleles (0.0058%); highest among the groups gnomAD compares: East Asian, 0.02%; no homozygotes.

Submissions (2):

Labcorp Genetics (formerly Invitae), Labcorp
Classification: Uncertain significance for Epileptic encephalopathy. Last evaluated: 2024-04-25. Review status: criteria provided, single submitter. Criteria: Invitae Variant Classification Sherloc (09022015). Collection method: clinical testing. Allele origin: germline.
Comment: This sequence change replaces threonine, which is neutral and polar, with methionine, which is neutral and non-polar, at codon 1243 of the RYR3 protein (p.Thr1243Met). This variant is present in population databases (rs550824274, gnomAD 0.04%). This variant has not been reported in the literature in individuals affected with RYR3-related conditions. ClinVar contains an entry for this variant (Variation ID: 643173). An algorithm developed to predict the effect of missense changes on protein structure and function (PolyPhen-2) suggests that this variant is likely to be disruptive. In summary, the available evidence is currently insufficient to determine the role of this variant in disease. Therefore, it has been classified as a Variant of Uncertain Significance.

Ambry Genetics
Classification: Uncertain significance. Last evaluated: 2021-09-14. Review status: criteria provided, single submitter. Criteria: Ambry Variant Classification Scheme 2023. Collection method: clinical testing. Allele origin: germline.

NM_001036.6(RYR3):c.3728C>T (p.Thr1243Met)

Gene: RYR3 (ryanodine receptor 3; plus strand). Cytogenetic location: 15q14.
Variant type: single nucleotide variant.
Coding change: c.3728C>T on transcript NM_001036.6 (MANE Select); coding-DNA position 3728, C replaced by T.
Protein change: p.Thr1243Met; replaces threonine 1243 with methionine.
Molecular consequence: missense variant.
Genome position (GRCh38, 1-based): chr15:33,644,482, C>T. VCF-style: chr15-33644482-C-T. GRCh37 (hg19) VCF-style: chr15-33936683-C-T.
Other names: c.3728C>T, p.Thr1243Met (NM_001243996.4); c.3728C>T (NM_001036.3); short protein forms T1243M.
Identifiers: ClinVar variation 643173 (VCV000643173.11), dbSNP rs550824274, ClinGen allele CA7458762.
Genomic context (GRCh38, chr15:33,644,482, plus strand): 5'-AGCCTTTTGCTGTCAACATGAACAGAGATGTTGCTATGTGGTTCAGCAAGCGCCTCCCGA[C>T]GTTTGTCAACGTGCCAAAGGATCATCCACACATAGAGGTAATGTTACACAATGTGTGTGG-3'
Protein context (NP_001027.3, residues 1233-1253): VAMWFSKRLP[Thr1243Met]FVNVPKDHPH